The following is an entry in ClinVar:

NM_002474.3(MYH11):c.5313C>T (p.Asn1771=)

Genes: MYH11 (myosin heavy chain 11; minus strand), NDE1 (nudE neurodevelopment protein 1; plus strand). Cytogenetic location: 16p13.11.
Variant type: single nucleotide variant.
Coding change: c.5313C>T on transcript NM_002474.3 (MANE Select); coding-DNA position 5313, C replaced by T.
Protein change: p.Asn1771=; no amino-acid change (asparagine 1771 retained).
Molecular consequence: synonymous variant. On other transcripts: intron variant (2).
Genome position (GRCh38, 1-based): chr16:15,717,331, G>A on the plus strand (C>T on the coding strand, the complement: MYH11 is on the minus strand). VCF-style: chr16-15717331-G-A. GRCh37 (hg19) VCF-style: chr16-15811188-G-A.
Other names: p.N1771N:AAC>AAT; c.5334C>T, p.Asn1778= (NM_001040113.2, NM_001040114.2); c.5313C>T, p.Asn1771= (NM_022844.3); c.948-6860G>A (NM_001143979.2, NM_017668.3).
Identifiers: ClinVar variation 201038 (VCV000201038.18), dbSNP rs190675029, ClinGen allele CA306467.

ClinVar aggregate classification (germline): Benign/Likely benign. Review status: criteria provided, multiple submitters, no conflicts (2 of 4 stars). 8 submissions from 8 submitters: Benign (2); Likely benign (5). 1 of the submissions does not count toward it. Last evaluated 2025-11-11.

Conditions:
MYH11-related disorder. Also called: MYH11-related condition.
Familial thoracic aortic aneurysm and aortic dissection (TAAD). Also called: Thoracic aortic aneurysms and dissections. Identifiers: Orphanet 91387, MedGen C4707243, MONDO:0019625.
Aortic aneurysm, familial thoracic 4 (AAT4). Also called: AORTIC ANEURYSM/AORTIC DISSECTION AND PATENT DUCTUS ARTERIOSUS. Identifiers: MedGen C1851504, MONDO:0007568, OMIM 132900.

Allele frequency attached by ClinVar (database versions not stated): TOPMed 0.00003; gnomAD exomes 0.00004 and 0.00010; ExAC 0.00006; gnomAD 0.00006; 1000 Genomes Project 30x 0.00016; 1000 Genomes Project 0.00020.
gnomAD v4.1: 68 of 1,609,010 alleles (0.0042%); highest among the groups gnomAD compares: East Asian, 0.076%; no homozygotes.

Submissions (8):

Labcorp Genetics (formerly Invitae), Labcorp
Classification: Likely benign for Aortic aneurysm, familial thoracic 4. Last evaluated: 2025-11-11. Review status: criteria provided, single submitter. Criteria: Invitae Variant Classification Sherloc (09022015). Collection method: clinical testing. Allele origin: germline.

Blueprint Genetics
Classification: Likely benign. Last evaluated: 2024-09-11. Review status: criteria provided, single submitter. Criteria: ACMG Guidelines, 2015. Collection method: clinical testing. Allele origin: germline.

All of Us Research Program, National Institutes of Health
Classification: Likely benign for Familial thoracic aortic aneurysm and aortic dissection. Last evaluated: 2024-01-11. Review status: criteria provided, single submitter. Criteria: ACMG Guidelines, 2015. Collection method: clinical testing. Allele origin: germline. Inheritance: Autosomal dominant inheritance. Observed: 14 variant alleles, 14 heterozygotes.
Comment: This study involves interpretation of variants in research participants for the purpose of population health screening. Participant phenotype was not available at the time of variant classification. Additional details can be found in publication PMID: 35346344, PMCID: PMC8962531

Women's Health and Genetics/Laboratory Corporation of America, LabCorp
Classification: Benign. Last evaluated: 2021-01-07. Review status: criteria provided, single submitter. Criteria: LabCorp Variant Classification Summary - May 2015. Collection method: clinical testing. Allele origin: germline.

Ambry Genetics
Classification: Likely benign for Familial thoracic aortic aneurysm and aortic dissection. Last evaluated: 2019-06-03. Review status: criteria provided, single submitter. Criteria: Ambry Variant Classification Scheme 2023. Collection method: clinical testing. Allele origin: germline.

Color Diagnostics, LLC DBA Color Health
Classification: Likely benign for Familial thoracic aortic aneurysm and aortic dissection. Last evaluated: 2018-10-21. Review status: criteria provided, single submitter. Criteria: ACMG Guidelines, 2015. Collection method: clinical testing. Allele origin: germline.

GeneDx
Classification: Benign. Last evaluated: 2014-09-10. Review status: criteria provided, single submitter. Criteria: GeneDx Variant Classification (06012015). Collection method: clinical testing. Allele origin: germline. Affected: yes.
Comment: This variant is considered likely benign or benign based on one or more of the following criteria: it is a conservative change, it occurs at a poorly conserved position in the protein, it is predicted to be benign by multiple in silico algorithms, and/or has population frequency not consistent with disease.

PreventionGenetics, part of Exact Sciences
Classification: Likely benign for MYH11-related condition. Last evaluated: 2019-04-02. Review status: no assertion criteria provided. Collection method: clinical testing. Allele origin: germline. Not counted in ClinVar's aggregate classification.
Comment: This variant is classified as likely benign based on ACMG/AMP sequence variant interpretation guidelines (Richards et al. 2015 PMID: 25741868, with internal and published modifications).